The following is an entry in ClinVar:

NM_001943.5(DSG2):c.586A>G (p.Ile196Val)

Gene: DSG2 (desmoglein 2; plus strand). Cytogenetic location: 18q12.1.
Variant type: single nucleotide variant.
Coding change: c.586A>G on transcript NM_001943.5 (MANE Select); coding-DNA position 586, A replaced by G.
Protein change: p.Ile196Val; replaces isoleucine 196 with valine.
Molecular consequence: missense variant.
Genome position (GRCh38, 1-based): chr18:31,522,145, A>G. VCF-style: chr18-31522145-A-G. GRCh37 (hg19) VCF-style: chr18-29102108-A-G.
Other names: short protein forms I196V.
Identifiers: ClinVar variation 838764 (VCV000838764.9), dbSNP rs1422826393, ClinGen allele CA402133579.

ClinVar aggregate classification (germline): Uncertain significance (1 of 4 stars; one submission).

Conditions:
Arrhythmogenic right ventricular dysplasia 10. Also called: Arrhythmogenic Right Ventricular Dysplasia/Cardiomyopathy10; ARRHYTHMOGENIC RIGHT VENTRICULAR DYSPLASIA, FAMILIAL, 10; Arrhythmogenic right ventricular dysplasia/cardiomyopathy, type 10. Identifiers: MedGen C1857777, MONDO:0012434, OMIM 610193.

Allele frequency attached by ClinVar (database versions not stated): gnomAD exomes below 0.00001; TOPMed 0.00001.
gnomAD v4.1: 3 of 1,613,786 alleles (0.00019%); highest among the groups gnomAD compares: Non-Finnish European, 0.00025%; no homozygotes.

Submission:

Labcorp Genetics (formerly Invitae), Labcorp
Classification: Uncertain significance for Arrhythmogenic right ventricular dysplasia 10. Last evaluated: 2019-05-03. Review status: criteria provided, single submitter. Criteria: Invitae Variant Classification Sherloc (09022015). Collection method: clinical testing. Allele origin: germline.
Comment: This sequence change replaces isoleucine with valine at codon 196 of the DSG2 protein (p.Ile196Val). The isoleucine residue is highly conserved and there is a small physicochemical difference between isoleucine and valine. This variant is not present in population databases (ExAC no frequency). This variant has not been reported in the literature in individuals with DSG2-related conditions. Algorithms developed to predict the effect of missense changes on protein structure and function output the following: SIFT: "Tolerated"; PolyPhen-2: "Benign"; Align-GVGD: "Class C0". The valine amino acid residue is found in multiple mammalian species, suggesting that this missense change does not adversely affect protein function. These predictions have not been confirmed by published functional studies and their clinical significance is uncertain. In summary, the available evidence is currently insufficient to determine the role of this variant in disease. Therefore, it has been classified as a Variant of Uncertain Significance.